The following is an entry in ClinVar:

NM_001012720.2(RGR):c.709G>A (p.Ala237Thr)

Gene: RGR (retinal G protein coupled receptor; plus strand). Cytogenetic location: 10q23.1.
Variant type: single nucleotide variant.
Coding change: c.709G>A on transcript NM_001012720.2 (MANE Select); coding-DNA position 709, G replaced by A.
Protein change: p.Ala237Thr; replaces alanine 237 with threonine.
Molecular consequence: missense variant. On other transcripts: intron variant (1).
Genome position (GRCh38, 1-based): chr10:84,257,971, G>A. VCF-style: chr10-84257971-G-A. GRCh37 (hg19) VCF-style: chr10-86017727-G-A.
Other names: c.721G>A, p.Ala241Thr (NM_002921.4); c.631-537G>A (NM_001012722.2); short protein forms A237T, A241T.
Identifiers: ClinVar variation 3384580 (VCV003384580.1).

ClinVar aggregate classification (germline): Uncertain significance (1 of 4 stars; one submission).

gnomAD v4.1: 12 of 1,614,170 alleles (0.00074%); highest among the groups gnomAD compares: Middle Eastern, 0.016%; no homozygotes.

Submission:

GeneDx
Classification: Uncertain significance. Last evaluated: 2024-06-07. Review status: criteria provided, single submitter. Criteria: GeneDx Variant Classification Process June 2021. Collection method: clinical testing. Allele origin: germline. Affected: yes.
Comment: In silico analysis indicates that this missense variant does not alter protein structure/function; Has not been previously published as pathogenic or benign to our knowledge